The following is an entry in ClinVar:

NM_005751.5(AKAP9):c.2666A>G (p.Tyr889Cys)

Gene: AKAP9 (A-kinase anchoring protein 9; plus strand). Cytogenetic location: 7q21.2.
Variant type: single nucleotide variant.
Coding change: c.2666A>G on transcript NM_005751.5 (MANE Select); coding-DNA position 2666, A replaced by G.
Protein change: p.Tyr889Cys; replaces tyrosine 889 with cysteine.
Molecular consequence: missense variant.
Genome position (GRCh38, 1-based): chr7:92,002,583, A>G. VCF-style: chr7-92002583-A-G. GRCh37 (hg19) VCF-style: chr7-91631897-A-G.
Other names: c.2666A>G, p.Tyr889Cys (NM_147185.3); short protein forms Y889C.
Identifiers: ClinVar variation 1794495 (VCV001794495.3), dbSNP rs1799305924, ClinGen allele CA368124658.

ClinVar aggregate classification (germline): Uncertain significance (1 of 4 stars; one submission).

Conditions:
Cardiovascular phenotype. Identifiers: MedGen CN230736.

Allele frequency attached by ClinVar (database versions not stated): gnomAD exomes below 0.00001; gnomAD 0.00001.
gnomAD v4.1: 2 of 1,610,150 alleles (0.00012%); highest among the groups gnomAD compares: African/African-American, 0.0027%; no homozygotes.

Submission:

Ambry Genetics
Classification: Uncertain significance for Cardiovascular phenotype. Last evaluated: 2025-09-17. Review status: criteria provided, single submitter. Criteria: Ambry Variant Classification Scheme 2023. Collection method: clinical testing. Allele origin: germline.
Comment: The p.Y889C variant (also known as c.2666A>G), located in coding exon 8 of the AKAP9 gene, results from an A to G substitution at nucleotide position 2666. The tyrosine at codon 889 is replaced by cysteine, an amino acid with highly dissimilar properties. This amino acid position is conserved. In addition, this alteration is predicted to be tolerated by in silico analysis. Since supporting evidence is limited at this time, the clinical significance of this alteration remains unclear.